The following is an entry in ClinVar:

ClinVar aggregate classification (germline): Conflicting classifications of pathogenicity. Review status: criteria provided, conflicting classifications (1 of 4 stars). 2 submissions from 2 submitters: Uncertain significance (1); Likely benign (1). Last evaluated 2023-03-23.

Conditions:
Hereditary breast ovarian cancer syndrome. Also called: Hereditary breast and ovarian cancer syndrome (HBOC); Hereditary breast and ovarian cancer syndrome; Breast and ovarian cancer; Hereditary breast and/or ovarian cancer syndrome; Hereditary breast and ovarian cancer; BRCA1- and BRCA2-Associated Hereditary Breast and Ovarian Cancer. Identifiers: Orphanet 145, MedGen C0677776, MeSH D061325, MONDO:0003582. Disease mechanism: loss of function.
Hereditary cancer-predisposing syndrome. Also called: Neoplastic Syndromes, Hereditary; Hereditary Cancer Syndrome; Hereditary neoplastic syndrome; Tumor predisposition. Identifiers: Orphanet 140162, MedGen C0027672, MeSH D009386, MONDO:0015356.

Submissions (2):

University of Washington Department of Laboratory Medicine, University of Washington
Classification: Likely benign for Hereditary cancer-predisposing syndrome. Last evaluated: 2023-03-23. Review status: criteria provided, single submitter. Criteria: Dines et al. (Genet Med. 2020). Collection method: curation. Allele origin: germline.
Comment: Missense variant in a coldspot region where missense variants are very unlikely to be pathogenic (PMID:31911673).

BRCA2 exon 10 coldspot. Reclassification based on statistical prior probability.

Labcorp Genetics (formerly Invitae), Labcorp
Classification: Uncertain significance for Hereditary breast ovarian cancer syndrome. Last evaluated: 2017-02-09. Review status: criteria provided, single submitter. Criteria: Invitae Variant Classification Sherloc (09022015). Collection method: clinical testing. Allele origin: germline.
Comment: In summary, this variant is a novel missense change that is not predicted to affect protein function. There is no indication that it causes disease, but the available evidence is currently insufficient to prove that conclusively. Therefore, it has been classified as a Variant of Uncertain Significance. Algorithms developed to predict the effect of missense changes on protein structure and function (SIFT, PolyPhen-2, Align-GVGD) all suggest that this variant is likely to be tolerated, but these predictions have not been confirmed by published functional studies. This variant is not present in population databases (ExAC no frequency) and has not been reported in the literature in individuals with a BRCA2-related disease. This sequence change replaces glutamine with arginine at codon 397 of the BRCA2 protein (p.Gln397Arg). The glutamine residue is moderately conserved and there is a small physicochemical difference between glutamine and arginine.

NM_000059.4(BRCA2):c.1190A>G (p.Gln397Arg)

Gene: BRCA2 (BRCA2 DNA repair associated; plus strand). Cytogenetic location: 13q13.1.
Variant type: single nucleotide variant.
Coding change: c.1190A>G on transcript NM_000059.4 (MANE Select); coding-DNA position 1190, A replaced by G.
Protein change: p.Gln397Arg; replaces glutamine 397 with arginine.
Molecular consequence: missense variant.
Genome position (GRCh38, 1-based): chr13:32,332,668, A>G. VCF-style: chr13-32332668-A-G. GRCh37 (hg19) VCF-style: chr13-32906805-A-G.
Other names: short protein forms Q397R.
Identifiers: ClinVar variation 462225 (VCV000462225.10), dbSNP rs1555281770, ClinGen allele CA387762021.